The following is an entry in ClinVar:

NM_033026.6(PCLO):c.4560A>T (p.Glu1520Asp)

Gene: PCLO (piccolo presynaptic cytomatrix protein; minus strand). Cytogenetic location: 7q21.11.
Variant type: single nucleotide variant.
Coding change: c.4560A>T on transcript NM_033026.6 (MANE Select); coding-DNA position 4560, A replaced by T.
Protein change: p.Glu1520Asp; replaces glutamic acid 1520 with aspartic acid.
Molecular consequence: missense variant.
Genome position (GRCh38, 1-based): chr7:82,956,393, T>A on the plus strand (A>T on the coding strand, the complement: PCLO is on the minus strand). VCF-style: chr7-82956393-T-A. GRCh37 (hg19) VCF-style: chr7-82585709-T-A.
Other names: c.4560A>T, p.Glu1520Asp (NM_014510.3); short protein forms E1520D.
Identifiers: ClinVar variation 1981938 (VCV001981938.1), dbSNP rs1033202338, ClinGen allele CA161151091.

ClinVar aggregate classification (germline): Uncertain significance (1 of 4 stars; one submission).

Allele frequency attached by ClinVar (database versions not stated): gnomAD 0.00001; TOPMed 0.00004.
gnomAD v4.1: 73 of 1,613,530 alleles (0.0045%); highest among the groups gnomAD compares: Non-Finnish European, 0.0062%; no homozygotes.

Submission:

Labcorp Genetics (formerly Invitae), Labcorp
Classification: Uncertain significance. Last evaluated: 2022-04-04. Review status: criteria provided, single submitter. Criteria: Invitae Variant Classification Sherloc (09022015). Collection method: clinical testing. Allele origin: germline.
Comment: This sequence change replaces glutamic acid, which is acidic and polar, with aspartic acid, which is acidic and polar, at codon 1520 of the PCLO protein (p.Glu1520Asp). This variant is present in population databases (no rsID available, gnomAD 0.002%). This variant has not been reported in the literature in individuals affected with PCLO-related conditions. Algorithms developed to predict the effect of missense changes on protein structure and function are either unavailable or do not agree on the potential impact of this missense change (SIFT: "Deleterious"; PolyPhen-2: "Not Available"; Align-GVGD: "Class C0"). In summary, the available evidence is currently insufficient to determine the role of this variant in disease. Therefore, it has been classified as a Variant of Uncertain Significance.